The following is an entry in ClinVar:

NM_004656.4(BAP1):c.761C>T (p.Thr254Ile)

Gene: BAP1 (BRCA1 associated deubiquitinase 1; minus strand). Cytogenetic location: 3p21.1.
Variant type: single nucleotide variant.
Coding change: c.761C>T on transcript NM_004656.4 (MANE Select); coding-DNA position 761, C replaced by T.
Protein change: p.Thr254Ile; replaces threonine 254 with isoleucine.
Molecular consequence: missense variant.
Genome position (GRCh38, 1-based): chr3:52,406,275, G>A on the plus strand (C>T on the coding strand, the complement: BAP1 is on the minus strand). VCF-style: chr3-52406275-G-A. GRCh37 (hg19) VCF-style: chr3-52440291-G-A.
Other names: c.707C>T, p.Thr236Ile (NM_001410772.1); short protein forms T236I, T254I.
Identifiers: ClinVar variation 2150820 (VCV002150820.4), dbSNP rs2153227432, ClinGen allele CA353107086.
Genomic context (GRCh38, chr3:52,406,275, plus strand): 5'-GTTGGGCTGGGCAGAGGCCAGGAAGAAAGGGCACCTACCTGCTGCAGAGCCTCTAGTACT[G>A]TCTGACGGTTCACCTTCAGCACATGCAGCCTGGCCTCATACTTGATCCTGCGGTCGGGCA-3'
Protein context (NP_004647.1, residues 244-264): RLHVLKVNRQ[Thr254Ile]VLEALQQLIR

ClinVar aggregate classification (germline): Uncertain significance (1 of 4 stars; one submission).

Conditions:
BAP1-related tumor predisposition syndrome (TPDS1). Also called: Tumor susceptibility linked to germline BAP1 mutations; COMMON Syndrome; TUMOR PREDISPOSITION SYNDROME 1; BAP1 tumor predisposition syndrome. Identifiers: Orphanet 289539, MedGen C3280492, MONDO:0013692, OMIM 614327.

Submission:

Labcorp Genetics (formerly Invitae), Labcorp
Classification: Uncertain significance for BAP1-related tumor predisposition syndrome. Last evaluated: 2024-10-15. Review status: criteria provided, single submitter. Criteria: Invitae Variant Classification Sherloc (09022015). Collection method: clinical testing. Allele origin: germline.
Comment: This sequence change replaces threonine, which is neutral and polar, with isoleucine, which is neutral and non-polar, at codon 254 of the BAP1 protein (p.Thr254Ile). This variant is not present in population databases (gnomAD no frequency). This variant has not been reported in the literature in individuals affected with BAP1-related conditions. ClinVar contains an entry for this variant (Variation ID: 2150820). Invitae Evidence Modeling of protein sequence and biophysical properties (such as structural, functional, and spatial information, amino acid conservation, physicochemical variation, residue mobility, and thermodynamic stability) indicates that this missense variant is not expected to disrupt BAP1 protein function with a negative predictive value of 80%. In summary, the available evidence is currently insufficient to determine the role of this variant in disease. Therefore, it has been classified as a Variant of Uncertain Significance.